The following is an entry in ClinVar:

NM_001330311.2(DVL1):c.1093T>G (p.Ser365Ala)

Gene: DVL1 (dishevelled segment polarity protein 1; minus strand). Cytogenetic location: 1p36.33.
Variant type: single nucleotide variant.
Coding change: c.1093T>G on transcript NM_001330311.2 (MANE Select); coding-DNA position 1093, T replaced by G.
Protein change: p.Ser365Ala; replaces serine 365 with alanine.
Molecular consequence: missense variant.
Genome position (GRCh38, 1-based): chr1:1,339,401, A>C on the plus strand (T>G on the coding strand, the complement: DVL1 is on the minus strand). VCF-style: chr1-1339401-A-C. GRCh37 (hg19) VCF-style: chr1-1274781-A-C.
Other names: c.1093T>G, p.Ser365Ala (NM_004421.3); c.1093T>G (NM_004421.2); short protein forms S365A.
Identifiers: ClinVar variation 2993722 (VCV002993722.4), dbSNP rs1325731422, ClinGen allele CA337867475.

ClinVar aggregate classification (germline): Uncertain significance. Review status: criteria provided, multiple submitters, no conflicts (2 of 4 stars). 2 submissions from 2 submitters: Uncertain significance (2). Last evaluated 2025-06-25.

Conditions:
Inborn genetic diseases. Identifiers: MedGen C0950123, MeSH D030342.

Allele frequency attached by ClinVar (database versions not stated): gnomAD exomes 0.00001.
gnomAD v4.1: 9 of 1,548,914 alleles (0.00058%); highest among the groups gnomAD compares: Non-Finnish European, 0.00078%; no homozygotes.

Submissions (2):

Ambry Genetics
Classification: Uncertain significance for Inborn genetic diseases. Last evaluated: 2025-06-25. Review status: criteria provided, single submitter. Criteria: Ambry Variant Classification Scheme 2023. Collection method: clinical testing. Allele origin: germline.

Labcorp Genetics (formerly Invitae), Labcorp
Classification: Uncertain significance. Last evaluated: 2025-03-19. Review status: criteria provided, single submitter. Criteria: Invitae Variant Classification Sherloc (09022015). Collection method: clinical testing. Allele origin: germline.
Comment: This sequence change replaces serine, which is neutral and polar, with alanine, which is neutral and non-polar, at codon 365 of the DVL1 protein (p.Ser365Ala). This variant is present in population databases (no rsID available, gnomAD 0.002%). This variant has not been reported in the literature in individuals affected with DVL1-related conditions. ClinVar contains an entry for this variant (Variation ID: 2993722). Invitae Evidence Modeling of protein sequence and biophysical properties (such as structural, functional, and spatial information, amino acid conservation, physicochemical variation, residue mobility, and thermodynamic stability) indicates that this missense variant is not expected to disrupt DVL1 protein function with a negative predictive value of 80%. In summary, the available evidence is currently insufficient to determine the role of this variant in disease. Therefore, it has been classified as a Variant of Uncertain Significance.